The following is an entry in ClinVar:

ClinVar aggregate classification (germline): Uncertain significance (1 of 4 stars; one submission).

Submission:

Labcorp Genetics (formerly Invitae), Labcorp
Classification: Uncertain significance. Last evaluated: 2025-03-19. Review status: criteria provided, single submitter. Criteria: Invitae Variant Classification Sherloc (09022015). Collection method: clinical testing. Allele origin: germline.
Comment: This sequence change replaces glutamic acid, which is acidic and polar, with lysine, which is basic and polar, at codon 1877 of the TECTA protein (p.Glu1877Lys). This variant is not present in population databases (gnomAD no frequency). This variant has not been reported in the literature in individuals affected with TECTA-related conditions. Invitae Evidence Modeling of protein sequence and biophysical properties (such as structural, functional, and spatial information, amino acid conservation, physicochemical variation, residue mobility, and thermodynamic stability) has been performed for this missense variant. However, the output from this modeling did not meet the statistical confidence thresholds required to predict the impact of this variant on TECTA protein function. In summary, the available evidence is currently insufficient to determine the role of this variant in disease. Therefore, it has been classified as a Variant of Uncertain Significance.

NM_005422.4(TECTA):c.5629G>A (p.Glu1877Lys)

Genes: TBCEL-TECTA (TBCEL-TECTA readthrough; plus strand), TECTA (tectorin alpha; plus strand). Cytogenetic location: 11q23.3.
Variant type: single nucleotide variant.
Coding change: c.5629G>A on transcript NM_005422.4 (MANE Select); coding-DNA position 5629, G replaced by A.
Protein change: p.Glu1877Lys; replaces glutamic acid 1877 with lysine.
Molecular consequence: missense variant.
Genome position (GRCh38, 1-based): chr11:121,168,096, G>A. VCF-style: chr11-121168096-G-A. GRCh37 (hg19) VCF-style: chr11-121038805-G-A.
Other names: c.6571G>A, p.Glu2191Lys (NM_001378761.1); short protein forms E2191K, E1877K.
Identifiers: ClinVar variation 4777200 (VCV004777200.1).
Genomic context (GRCh38, chr11:121,168,096, plus strand): 5'-CTTCCCCTTGTTCTGCAGTCCAATGGCACGCATATCATGTATAAAAACACACTCTGGATC[G>A]AAAGCGCCAACAACACTGGCAACATCATCACCAGGGACCGCACGATCAATGTGGAATTTT-3'
Protein context (NP_005413.2, residues 1867-1887): HIMYKNTLWI[Glu1877Lys]SANNTGNIIT